The following is an entry in ClinVar:

ClinVar aggregate classification (germline): Benign (1 of 4 stars; one submission).

Conditions:
Imerslund-Grasbeck syndrome type 1 (IGS1). Also called: Megaloblastic anemia 1, Finnish type; MEGALOBLASTIC ANEMIA, 1; Imerslund-Gräsbeck syndrome 1. Identifiers: MedGen C4016819, MONDO:0100156, OMIM 261100.

Allele frequency attached by ClinVar (database versions not stated): 1000 Genomes Project 0.01318; gnomAD 0.01607 and 0.01494; 1000 Genomes Project 30x 0.01374; TOPMed 0.01683.

Submission:

Illumina Laboratory Services, Illumina
Classification: Benign for Imerslund-Grasbeck syndrome type 1. Last evaluated: 2018-01-13. Review status: criteria provided, single submitter. Criteria: ICSL Variant Classification Criteria 13 December 2019. Collection method: clinical testing. Allele origin: germline.
Comment: This variant was observed in the ICSL laboratory as part of a predisposition screen in an ostensibly healthy population. It had not been previously curated by ICSL or reported in the Human Gene Mutation Database (HGMD: prior to June 1st, 2018), and was therefore a candidate for classification through an automated scoring system. Utilizing variant allele frequency, disease prevalence and penetrance estimates, and inheritance mode, an automated score was calculated to assess if this variant is too frequent to cause the disease. Based on the score and internal cut-off values, a variant classified as benign is not then subjected to further curation. The score for this variant resulted in a classification of benign for this disease.

NM_001081.4(CUBN):c.*781C>T

Gene: CUBN (cubilin; minus strand). Cytogenetic location: 10p13.
Variant type: single nucleotide variant.
Coding change: c.*781C>T on transcript NM_001081.4 (MANE Select); 781 bases downstream of the stop codon, C replaced by T.
Molecular consequence: 3 prime UTR variant.
Genome position (GRCh38, 1-based): chr10:16,824,194, G>A on the plus strand (C>T on the coding strand, the complement: CUBN is on the minus strand). VCF-style: chr10-16824194-G-A. GRCh37 (hg19) VCF-style: chr10-16866193-G-A.
Identifiers: ClinVar variation 299327 (VCV000299327.5), dbSNP rs115080396, ClinGen allele CA10628259.
Genomic context (GRCh38, chr10:16,824,194, plus strand): 5'-CCTTAACCTACTGGGCTCAAGTGATCCTCCTGCTTCAACCTCCTGTGTAGCTGGAACCAC[G>A]GGTGCATGCCACCATGCCTGGCTAATTTTTTGATTTTTTGTAAAAATCAGGTCTCACTTT-3'